The following is an entry in ClinVar:

ClinVar aggregate classification (germline): Uncertain significance. Review status: criteria provided, multiple submitters, no conflicts (2 of 4 stars). 2 submissions from 2 submitters: Uncertain significance (2). Last evaluated 2022-11-02.

Allele frequency attached by ClinVar (database versions not stated): gnomAD 0.00001; gnomAD exomes 0.00001; TOPMed 0.00002.
gnomAD v4.1: 10 of 1,613,266 alleles (0.00062%); highest among the groups gnomAD compares: Non-Finnish European, 0.00076%; no homozygotes.

Submissions (2):

Blueprint Genetics
Classification: Uncertain significance. Last evaluated: 2022-11-02. Review status: criteria provided, single submitter. Criteria: ACMG Guidelines, 2015. Collection method: clinical testing. Allele origin: germline.

Labcorp Genetics (formerly Invitae), Labcorp
Classification: Uncertain significance. Last evaluated: 2022-09-01. Review status: criteria provided, single submitter. Criteria: Invitae Variant Classification Sherloc (09022015). Collection method: clinical testing. Allele origin: germline.
Comment: This sequence change replaces asparagine, which is neutral and polar, with serine, which is neutral and polar, at codon 228 of the USH2A protein (p.Asn228Ser). This variant is not present in population databases (gnomAD no frequency). This missense change has been observed in individual(s) with retinitis pigmentosa (Invitae). Algorithms developed to predict the effect of missense changes on protein structure and function are either unavailable or do not agree on the potential impact of this missense change (SIFT: "Deleterious"; PolyPhen-2: "Possibly Damaging"; Align-GVGD: "Class C0"). Algorithms developed to predict the effect of sequence changes on RNA splicing suggest that this variant may create or strengthen a splice site. In summary, the available evidence is currently insufficient to determine the role of this variant in disease. Therefore, it has been classified as a Variant of Uncertain Significance.

NM_206933.4(USH2A):c.683A>G (p.Asn228Ser)

Gene: USH2A (usherin; minus strand). Cytogenetic location: 1q41.
Variant type: single nucleotide variant.
Coding change: c.683A>G on transcript NM_206933.4 (MANE Select); coding-DNA position 683, A replaced by G.
Protein change: p.Asn228Ser; replaces asparagine 228 with serine.
Molecular consequence: missense variant.
Genome position (GRCh38, 1-based): chr1:216,365,054, T>C on the plus strand (A>G on the coding strand, the complement: USH2A is on the minus strand). VCF-style: chr1-216365054-T-C. GRCh37 (hg19) VCF-style: chr1-216538396-T-C.
Other names: c.683A>G, p.Asn228Ser (NM_007123.6); short protein forms N228S.
Identifiers: ClinVar variation 2169811 (VCV002169811.2), dbSNP rs1267863831, ClinGen allele CA344908478.
Genomic context (GRCh38, chr1:216,365,054, plus strand): 5'-TCTGTAATTGAACCACTTAGAGTTCTTGCATTGAAAGGTGTATGATCCTTCTCCACGCCA[T>C]TGATAAAGAAGCTGATTTTTGTCTGATGCACCTGTAAGAAATTACCACCATTATTAGTTT-3'
Protein context (NP_996816.3, residues 218-238): VHQTKISFFI[Asn228Ser]GVEKDHTPFN